The following is an entry in ClinVar:

ClinVar aggregate classification (germline): Benign/Likely benign. Review status: criteria provided, multiple submitters, no conflicts (2 of 4 stars). 8 submissions from 8 submitters: Benign (2); Likely benign (5). 1 of the submissions does not count toward it. Last evaluated 2025-10-27.

Conditions:
TSC2-related disorder. Also called: TSC2-related condition; TSC2-Related Disorders.
Hereditary cancer-predisposing syndrome. Also called: Tumor predisposition; Neoplastic Syndromes, Hereditary; Hereditary neoplastic syndrome; Hereditary Cancer Syndrome. Identifiers: Orphanet 140162, MedGen C0027672, MeSH D009386, MONDO:0015356.
Tuberous sclerosis 2 (TSC2). Identifiers: Orphanet 805, MedGen C1860707, MONDO:0013199, OMIM 613254.

Allele frequency attached by ClinVar (database versions not stated): gnomAD exomes below 0.00001 and 0.00001.

Submissions (8):

Labcorp Genetics (formerly Invitae), Labcorp
Classification: Likely benign for Tuberous sclerosis 2. Last evaluated: 2025-10-27. Review status: criteria provided, single submitter. Criteria: Invitae Variant Classification Sherloc (09022015). Collection method: clinical testing. Allele origin: germline.

Myriad Genetics, Inc.
Classification: Benign for Tuberous sclerosis 2. Last evaluated: 2025-06-09. Review status: criteria provided, single submitter. Criteria: Myriad Autosomal Dominant, Autosomal Recessive and X-Linked Classification Criteria (2023). Collection method: clinical testing. Allele origin: unknown.
Comment: This variant is considered benign. This variant is a silent/synonymous amino acid change and it is not expected to impact splicing.

Quest Diagnostics Nichols Institute San Juan Capistrano
Classification: Likely benign. Last evaluated: 2025-05-12. Review status: criteria provided, single submitter. Criteria: Quest Diagnostics criteria. Collection method: clinical testing. Allele origin: unknown.

Genome-Nilou Lab
Classification: Benign for Tuberous sclerosis 2. Last evaluated: 2021-11-07. Review status: criteria provided, single submitter. Criteria: ACMG Guidelines, 2015. Collection method: clinical testing. Allele origin: germline. Affected: no.

Blueprint Genetics
Classification: Likely benign. Last evaluated: 2020-01-20. Review status: criteria provided, single submitter. Criteria: ACMG Guidelines, 2015. Collection method: clinical testing. Allele origin: germline.

Ambry Genetics
Classification: Likely benign for Hereditary cancer-predisposing syndrome. Last evaluated: 2018-07-27. Review status: criteria provided, single submitter. Criteria: Ambry Variant Classification Scheme 2023. Collection method: clinical testing. Allele origin: germline.

GeneDx
Classification: Likely benign. Last evaluated: 2016-07-11. Review status: criteria provided, single submitter. Criteria: GeneDx Variant Classification (06012015). Collection method: clinical testing. Allele origin: germline. Affected: yes.
Comment: This variant is considered likely benign or benign based on one or more of the following criteria: it is a conservative change, it occurs at a poorly conserved position in the protein, it is predicted to be benign by multiple in silico algorithms, and/or has population frequency not consistent with disease.

PreventionGenetics, part of Exact Sciences
Classification: Likely benign for TSC2-related condition. Last evaluated: 2023-08-18. Review status: no assertion criteria provided. Collection method: clinical testing. Allele origin: germline. Not counted in ClinVar's aggregate classification.
Comment: This variant is classified as likely benign based on ACMG/AMP sequence variant interpretation guidelines (Richards et al. 2015 PMID: 25741868, with internal and published modifications).

NM_000548.5(TSC2):c.5355A>G (p.Thr1785=)

Gene: TSC2 (TSC complex subunit 2; plus strand). Cytogenetic location: 16p13.3.
Variant type: single nucleotide variant.
Coding change: c.5355A>G on transcript NM_000548.5 (MANE Select); coding-DNA position 5355, A replaced by G.
Protein change: p.Thr1785=; no amino-acid change (threonine 1785 retained).
Molecular consequence: synonymous variant.
Genome position (GRCh38, 1-based): chr16:2,088,541, A>G. VCF-style: chr16-2088541-A-G. GRCh37 (hg19) VCF-style: chr16-2138542-A-G.
Other names: c.5154A>G, p.Thr1718= (NM_001077183.3); c.5286A>G, p.Thr1762= (NM_001114382.3); c.5046A>G, p.Thr1682= (NM_001318827.2); c.5010A>G, p.Thr1670= (NM_001318829.2); c.4623A>G, p.Thr1541= (NM_001318831.2); c.5187A>G, p.Thr1729= (NM_001318832.2); c.5157A>G, p.Thr1719= (NM_001363528.2); c.5223A>G, p.Thr1741= (NM_001370404.1); and 3 more.
Identifiers: ClinVar variation 387753 (VCV000387753.22), dbSNP rs1057522896, ClinGen allele CA16608080.
Genomic context (GRCh38, chr16:2,088,541, plus strand): 5'-ACCTCTGGTGCACCCTCCGTCCCATAGCAAAGCCCCTGCACAGACTCCAGCCGAGCCCAC[A>G]CCTGGCTATGAGGTGGGCCAGCGGAAGCGCCTCATCTCCTCGGTGGAGGACTTCACCGAG-3'
Protein context (NP_000539.2, residues 1775-1795): KAPAQTPAEP[Thr1785=]PGYEVGQRKR